The following is an entry in ClinVar:

ClinVar aggregate classification (germline): Pathogenic (0 of 4 stars; one submission).

Conditions:
Congenital heart disease (CHD). Identifiers: MedGen C0152021, MONDO:0005453. Disease mechanism: unknown.

Submission:

Cytogenetics- Mohapatra Lab, Banaras Hindu University
Classification: Pathogenic for Congenital heart disease. Last evaluated: 2012-04-18. Review status: no assertion criteria provided. Collection method: case-control. Allele origin: unknown. Affected: yes. Observed: 1 variant allele.
Comment: Transposition of great arteries

NM_001308093.3(GATA4):c.685T>A (p.Trp229Arg)

Gene: GATA4 (GATA binding protein 4). Cytogenetic location: 8p23.1.
Variant type: single nucleotide variant.
Coding change: c.685T>A on transcript NM_001308093.3 (MANE Select); coding-DNA position 685, T replaced by A.
Protein change: p.Trp229Arg; replaces tryptophan 229 with arginine.
Molecular consequence: missense variant.
Genome position (GRCh38, 1-based): chr8:11,748,984, T>A. VCF-style: chr8-11748984-T-A. GRCh37 (hg19) VCF-style: chr8-11606493-T-A.
Other names: c.64T>A, p.Trp22Arg (NM_001308094.2, NM_001374273.1, NM_001374274.1); c.682T>A, p.Trp228Arg (NM_002052.5); short protein forms W228R, W229R, W22R.
Identifiers: ClinVar variation 219230 (VCV000219230.2), dbSNP rs864321702, ClinGen allele CA347951.
Genomic context (GRCh38, chr8:11,748,984, plus strand): 5'-TTTGACGACTTCTCAGAAGGCAGAGAGTGTGTCAACTGTGGGGCTATGTCCACCCCGCTC[T>A]GGAGGCGAGATGGGACGGGTCACTATCTGTGCAACGCCTGCGGCCTCTACCACAAGATGA-3'
Protein context (NP_001295022.1, residues 219-239): VNCGAMSTPL[Trp229Arg]RRDGTGHYLC